The following is an entry in ClinVar:

NM_018263.6(ASXL2):c.2025C>G (p.Ala675=)

Gene: ASXL2 (ASXL transcriptional regulator 2; minus strand). Cytogenetic location: 2p23.3.
Variant type: single nucleotide variant.
Coding change: c.2025C>G on transcript NM_018263.6 (MANE Select); coding-DNA position 2025, C replaced by G.
Protein change: p.Ala675=; no amino-acid change (alanine 675 retained).
Molecular consequence: synonymous variant.
Genome position (GRCh38, 1-based): chr2:25,744,312, G>C on the plus strand (C>G on the coding strand, the complement: ASXL2 is on the minus strand). VCF-style: chr2-25744312-G-C. GRCh37 (hg19) VCF-style: chr2-25967181-G-C.
Other names: c.1851C>G, p.Ala617= (NM_001369346.1); c.1245C>G, p.Ala415= (NM_001369347.1).
Identifiers: ClinVar variation 2571065 (VCV002571065.27), dbSNP rs764791680, ClinGen allele CA1557703.

ClinVar aggregate classification (germline): Likely benign (1 of 4 stars; one submission).

gnomAD v4.1: 2 of 1,611,608 alleles (0.00012%); highest among the groups gnomAD compares: South Asian, 0.0022%; no homozygotes.

Submission:

CeGaT Center for Human Genetics Tuebingen
Classification: Likely benign. Last evaluated: 2023-04-01. Review status: criteria provided, single submitter. Criteria: CeGaT Center For Human Genetics Tuebingen Variant Classification Criteria Version 2. Collection method: clinical testing. Allele origin: germline. Affected: yes. Observed: 2 variant alleles.
Comment: ASXL2: BP4, BP7